The following is an entry in ClinVar:

NM_020433.5(JPH2):c.1513G>C (p.Gly505Arg)

Gene: JPH2 (junctophilin 2; minus strand). Cytogenetic location: 20q13.12.
Variant type: single nucleotide variant.
Coding change: c.1513G>C on transcript NM_020433.5 (MANE Select); coding-DNA position 1513, G replaced by C.
Protein change: p.Gly505Arg; replaces glycine 505 with arginine.
Molecular consequence: missense variant.
Genome position (GRCh38, 1-based): chr20:44,116,162, C>G on the plus strand (G>C on the coding strand, the complement: JPH2 is on the minus strand). VCF-style: chr20-44116162-C-G. GRCh37 (hg19) VCF-style: chr20-42744802-C-G.
Other names: c.1513G>C (NM_020433.4); short protein forms G505R.
Identifiers: ClinVar variation 1396596 (VCV001396596.9), dbSNP rs140740776, ClinGen allele CA9868667.

ClinVar aggregate classification (germline): Conflicting classifications of pathogenicity. Review status: criteria provided, conflicting classifications (1 of 4 stars). 2 submissions from 2 submitters: Uncertain significance (1); Likely benign (1). Last evaluated 2025-11-19.

Conditions:
Cardiovascular phenotype. Identifiers: MedGen CN230736.
Hypertrophic cardiomyopathy. Also called: HYPERTROPHIC MYOCARDIOPATHY. Identifiers: Orphanet 217569, MedGen C0007194, MeSH D002312, MONDO:0005045, HP:0001639.

gnomAD v4.1: 8 of 1,414,262 alleles (0.00057%); highest among the groups gnomAD compares: Admixed American, 0.0032%; no homozygotes.

Submissions (2):

Ambry Genetics
Classification: Likely benign for Cardiovascular phenotype. Last evaluated: 2025-11-19. Review status: criteria provided, single submitter. Criteria: Ambry Variant Classification Scheme 2023. Collection method: clinical testing. Allele origin: germline.

Labcorp Genetics (formerly Invitae), Labcorp
Classification: Uncertain significance for Hypertrophic cardiomyopathy. Last evaluated: 2025-06-27. Review status: criteria provided, single submitter. Criteria: Invitae Variant Classification Sherloc (09022015). Collection method: clinical testing. Allele origin: germline.
Comment: This sequence change replaces glycine, which is neutral and non-polar, with arginine, which is basic and polar, at codon 505 of the JPH2 protein (p.Gly505Arg). This variant is present in population databases (rs140740776, gnomAD 0.02%). This variant has not been reported in the literature in individuals affected with JPH2-related conditions. ClinVar contains an entry for this variant (Variation ID: 1396596). An algorithm developed to predict the effect of missense changes on protein structure and function outputs the following: PolyPhen-2: "Benign". The arginine amino acid residue is found in multiple mammalian species, which suggests that this missense change does not adversely affect protein function. In summary, the available evidence is currently insufficient to determine the role of this variant in disease. Therefore, it has been classified as a Variant of Uncertain Significance.